The following is an entry in ClinVar:

NM_003850.3(SUCLA2):c.802+3066_802+3069del

Gene: SUCLA2 (succinate-CoA ligase ADP-forming subunit beta; minus strand). Cytogenetic location: 13q14.2.
Variant type: Deletion.
Coding change: c.802+3066_802+3069del on transcript NM_003850.3 (MANE Select); bases 3066 to 3069 of the intron after coding-DNA position 802, 4 bases deleted (GTTT; older notation c.802+3066_802+3069delGTTT).
Molecular consequence: intron variant.
Genome position (GRCh38, 1-based): chr13:47,965,526-47,965,529, AAAC deleted on the plus strand (GTTT on the coding strand, the reverse complement: SUCLA2 is on the minus strand); deleting any 4 consecutive bases within chr13:47,965,526-47,965,532 gives the same sequence; the c. name uses the placement nearest the transcript's 3' end. VCF-style (leftmost placement, unchanged base first): chr13-47965525-AAAAC-A. GRCh37 (hg19) VCF-style: chr13-48539660-AAAAC-A.
Identifiers: ClinVar variation 1879256 (VCV001879256.29), dbSNP rs1421482607, ClinGen allele CA609570498.

ClinVar aggregate classification (germline): Benign (1 of 4 stars; one submission).

Submission:

CeGaT Center for Human Genetics Tuebingen
Classification: Benign. Last evaluated: 2023-05-01. Review status: criteria provided, single submitter. Criteria: CeGaT Center For Human Genetics Tuebingen Variant Classification Criteria Version 2. Collection method: clinical testing. Allele origin: germline. Affected: yes. Observed: 9 variant alleles.
Comment: SUCLA2: BS1, BS2